The following is an entry in ClinVar:

ClinVar aggregate classification (germline): Uncertain significance (1 of 4 stars; one submission).

Submission:

GeneDx
Classification: Uncertain significance. Last evaluated: 2021-12-06. Review status: criteria provided, single submitter. Criteria: GeneDx Variant Classification Process June 2021. Collection method: clinical testing. Allele origin: germline. Affected: yes.
Comment: Not observed in large population cohorts (Lek et al., 2016); In silico analysis supports that this missense variant has a deleterious effect on protein structure/function; Has not been previously published as pathogenic or benign to our knowledge

NM_001792.5(CDH2):c.1924C>G (p.Pro642Ala)

Gene: CDH2 (cadherin 2; minus strand). Cytogenetic location: 18q12.1.
Variant type: single nucleotide variant.
Coding change: c.1924C>G on transcript NM_001792.5 (MANE Select); coding-DNA position 1924, C replaced by G.
Protein change: p.Pro642Ala; replaces proline 642 with alanine.
Molecular consequence: missense variant.
Genome position (GRCh38, 1-based): chr18:27,985,579, G>C on the plus strand (C>G on the coding strand, the complement: CDH2 is on the minus strand). VCF-style: chr18-27985579-G-C. GRCh37 (hg19) VCF-style: chr18-25565543-G-C.
Other names: c.1831C>G, p.Pro611Ala (NM_001308176.2); short protein forms P611A, P642A.
Identifiers: ClinVar variation 1327364 (VCV001327364.2), dbSNP rs777119036, ClinGen allele CA402107265.